The following is an entry in ClinVar:

NM_006268.5(DPF2):c.743C>T (p.Thr248Ile)

Gene: DPF2 (double PHD fingers 2; plus strand). Cytogenetic location: 11q13.1.
Variant type: single nucleotide variant.
Coding change: c.743C>T on transcript NM_006268.5 (MANE Select); coding-DNA position 743, C replaced by T.
Protein change: p.Thr248Ile; replaces threonine 248 with isoleucine.
Molecular consequence: missense variant.
Genome position (GRCh38, 1-based): chr11:65,345,771, C>T. VCF-style: chr11-65345771-C-T. GRCh37 (hg19) VCF-style: chr11-65113242-C-T.
Other names: c.785C>T, p.Thr262Ile (NM_001330308.2); short protein forms T262I, T248I.
Identifiers: ClinVar variation 2795851 (VCV002795851.3), dbSNP rs1468872278, ClinGen allele CA381253953.
Genomic context (GRCh38, chr11:65,345,771, plus strand): 5'-ATGCCCACTCCCACTTGGCTGAGGAGGAGGGCGAGGACAAGGAAGACTCTCAACCACCCA[C>T]TCCTGTTTCCCAGAGGTCTGAGGAGCAGAAATGTAAGCTGAGGTGTCAGAAGTGGTGGGC-3'
Protein context (NP_006259.1, residues 238-258): GEDKEDSQPP[Thr248Ile]PVSQRSEEQK

ClinVar aggregate classification (germline): Uncertain significance (1 of 4 stars; one submission).

Submission:

Labcorp Genetics (formerly Invitae), Labcorp
Classification: Uncertain significance. Last evaluated: 2022-12-25. Review status: criteria provided, single submitter. Criteria: Invitae Variant Classification Sherloc (09022015). Collection method: clinical testing. Allele origin: germline.
Comment: This sequence change replaces threonine, which is neutral and polar, with isoleucine, which is neutral and non-polar, at codon 248 of the DPF2 protein (p.Thr248Ile). This variant is not present in population databases (gnomAD no frequency). This variant has not been reported in the literature in individuals affected with DPF2-related conditions. Algorithms developed to predict the effect of missense changes on protein structure and function (SIFT, PolyPhen-2, Align-GVGD) all suggest that this variant is likely to be tolerated. In summary, the available evidence is currently insufficient to determine the role of this variant in disease. Therefore, it has been classified as a Variant of Uncertain Significance.